The following is an entry in ClinVar:

ClinVar aggregate classification (germline): Likely benign (0 of 4 stars; one submission).

Conditions:
DROSHA-related disorder. Also called: DROSHA-related condition.

Allele frequency attached by ClinVar (database versions not stated): ExAC 0.00003; gnomAD 0.00004.
gnomAD v4.1: 19 of 1,613,300 alleles (0.0012%); highest among the groups gnomAD compares: East Asian, 0.02%; no homozygotes.

Submission:

PreventionGenetics, part of Exact Sciences
Classification: Likely benign for DROSHA-related condition. Last evaluated: 2022-10-25. Review status: no assertion criteria provided. Collection method: clinical testing. Allele origin: germline.
Comment: This variant is classified as likely benign based on ACMG/AMP sequence variant interpretation guidelines (Richards et al. 2015 PMID: 25741868, with internal and published modifications).

NM_001382508.1(DROSHA):c.1677G>A (p.Lys559=)

Gene: DROSHA (drosha ribonuclease III; minus strand). Cytogenetic location: 5p13.3.
Variant type: single nucleotide variant.
Coding change: c.1677G>A on transcript NM_001382508.1 (MANE Select); coding-DNA position 1677, G replaced by A.
Protein change: p.Lys559=; no amino-acid change (lysine 559 retained).
Molecular consequence: synonymous variant.
Genome position (GRCh38, 1-based): chr5:31,495,364, C>T on the plus strand (G>A on the coding strand, the complement: DROSHA is on the minus strand). VCF-style: chr5-31495364-C-T. GRCh37 (hg19) VCF-style: chr5-31495471-C-T.
Other names: c.1566G>A, p.Lys522= (NM_001100412.2); c.1677G>A, p.Lys559= (NM_013235.5).
Identifiers: ClinVar variation 3036332 (VCV003036332.2), dbSNP rs762755765, ClinGen allele CA3217614.